The following is an entry in ClinVar:

ClinVar aggregate classification (germline): Uncertain significance. Review status: criteria provided, single submitter (1 of 4 stars). 2 submissions from 2 submitters: Uncertain significance (1). 1 of the submissions does not count toward it. Last evaluated 2024-10-29.

Conditions:
C8A-related disorder. Also called: C8A-related condition.

Allele frequency attached by ClinVar (database versions not stated): TOPMed 0.00001; gnomAD exomes 0.00005 and 0.00010; ExAC 0.00007.
gnomAD v4.1: 30 of 1,613,746 alleles (0.0019%); highest among the groups gnomAD compares: Admixed American, 0.05%; no homozygotes.

Submissions (2):

Labcorp Genetics (formerly Invitae), Labcorp
Classification: Uncertain significance. Last evaluated: 2024-10-29. Review status: criteria provided, single submitter. Criteria: Invitae Variant Classification Sherloc (09022015). Collection method: clinical testing. Allele origin: germline.
Comment: This sequence change replaces aspartic acid, which is acidic and polar, with glycine, which is neutral and non-polar, at codon 118 of the C8A protein (p.Asp118Gly). This variant is present in population databases (rs758800749, gnomAD 0.07%). This variant has not been reported in the literature in individuals affected with C8A-related conditions. ClinVar contains an entry for this variant (Variation ID: 1408285). An algorithm developed to predict the effect of missense changes on protein structure and function (PolyPhen-2) suggests that this variant is likely to be disruptive. In summary, the available evidence is currently insufficient to determine the role of this variant in disease. Therefore, it has been classified as a Variant of Uncertain Significance.

PreventionGenetics, part of Exact Sciences
Classification: Uncertain significance for C8A-related condition. Last evaluated: 2024-02-20. Review status: no assertion criteria provided. Collection method: clinical testing. Allele origin: germline. Not counted in ClinVar's aggregate classification.
Comment: The C8A c.353A>G variant is predicted to result in the amino acid substitution p.Asp118Gly. To our knowledge, this variant has not been reported in the literature. This variant is reported in 0.072% of alleles in individuals of Latino descent in gnomAD. At this time, the clinical significance of this variant is uncertain due to the absence of conclusive functional and genetic evidence.

NM_000562.3(C8A):c.353A>G (p.Asp118Gly)

Gene: C8A (complement C8 alpha chain; plus strand). Cytogenetic location: 1p32.2.
Variant type: single nucleotide variant.
Coding change: c.353A>G on transcript NM_000562.3 (MANE Select); coding-DNA position 353, A replaced by G.
Protein change: p.Asp118Gly; replaces aspartic acid 118 with glycine.
Molecular consequence: missense variant.
Genome position (GRCh38, 1-based): chr1:56,876,098, A>G. VCF-style: chr1-56876098-A-G. GRCh37 (hg19) VCF-style: chr1-57341771-A-G.
Other names: c.353A>G (NM_000562.2); short protein forms D118G.
Identifiers: ClinVar variation 1408285 (VCV001408285.6), dbSNP rs758800749, ClinGen allele CA875012.
Genomic context (GRCh38, chr1:56,876,098, plus strand): 5'-GCAGCCACAGTCTCTTCTCTCCAGGTCGCTGCCTGAAACGCCACCTTGTGTGTAATGGAG[A>G]CCAGGACTGCCTTGATGGCTCTGATGAGGACGACTGTGAAGATGTCAGGGCCATTGACGA-3'
Protein context (NP_000553.1, residues 108-128): CLKRHLVCNG[Asp118Gly]QDCLDGSDED